The following is an entry in ClinVar:

ClinVar aggregate classification (germline): Benign/Likely benign. Review status: criteria provided, multiple submitters, no conflicts (2 of 4 stars). 4 submissions from 4 submitters: Benign (1); Likely benign (3). Last evaluated 2026-07-01.

Allele frequency attached by ClinVar (database versions not stated): 1000 Genomes Project 30x 0.00094; 1000 Genomes Project 0.00100; TOPMed 0.00124; ESP Exome Variant Server 0.00154; gnomAD 0.00227 and 0.00233.
gnomAD v4.1: 3,089 of 1,613,806 alleles (0.19%); highest among the groups gnomAD compares: Middle Eastern, 0.21%; 5 homozygotes.

Submissions (4):

CeGaT Center for Human Genetics Tuebingen
Classification: Likely benign. Last evaluated: 2026-07-01. Review status: criteria provided, single submitter. Criteria: CeGaT Center For Human Genetics Tuebingen Variant Classification Criteria Version 2. Collection method: clinical testing. Allele origin: germline. Affected: yes. Observed: 1 variant allele.
Comment: LIPE: BS2

Blueprint Genetics
Classification: Likely benign. Last evaluated: 2024-11-26. Review status: criteria provided, single submitter. Criteria: ACMG Guidelines, 2015. Collection method: clinical testing. Allele origin: germline.

Labcorp Genetics (formerly Invitae), Labcorp
Classification: Benign. Last evaluated: 2019-12-31. Review status: criteria provided, single submitter. Criteria: Invitae Variant Classification Sherloc (09022015). Collection method: clinical testing. Allele origin: germline.

Genetic Services Laboratory, University of Chicago
Classification: Likely benign. Last evaluated: 2017-11-01. Review status: criteria provided, single submitter. Criteria: ACMG Guidelines, 2015. Collection method: clinical testing. Allele origin: germline. Affected: no.

NM_005357.4(LIPE):c.1555G>A (p.Asp519Asn)

Genes: LIPE (lipase E, hormone sensitive type; minus strand), LIPE-AS1 (LIPE antisense RNA 1; plus strand), LOC101930071 (uncharacterized LOC101930071; plus strand). Cytogenetic location: 19q13.2.
Variant type: single nucleotide variant.
Coding change: c.1555G>A on transcript NM_005357.4 (MANE Select); coding-DNA position 1555, G replaced by A.
Protein change: p.Asp519Asn; replaces aspartic acid 519 with asparagine.
Molecular consequence: missense variant.
Genome position (GRCh38, 1-based): chr19:42,408,077, C>T on the plus strand (G>A on the coding strand, the complement: LIPE is on the minus strand). VCF-style: chr19-42408077-C-T. GRCh37 (hg19) VCF-style: chr19-42912229-C-T.
Other names: short protein forms D519N.
Identifiers: ClinVar variation 728899 (VCV000728899.11), dbSNP rs147012229, ClinGen allele CA9476971.